The following is an entry in ClinVar:

NM_000108.5(DLD):c.1416_1422del (p.Tyr473fs)

Gene: DLD (dihydrolipoamide dehydrogenase; plus strand). Cytogenetic location: 7q31.1.
Variant type: Deletion.
Coding change: c.1416_1422del on transcript NM_000108.5 (MANE Select); coding-DNA positions 1416 to 1422, 7 bases deleted (ATATGGA; older notation c.1416_1422delATATGGA).
Protein change: p.Tyr473fs; shifts the reading frame from tyrosine 473.
Molecular consequence: frameshift variant.
Genome position (GRCh38, 1-based): chr7:107,919,051-107,919,057, ATATGGA deleted; deleting any 7 consecutive bases within chr7:107,919,047-107,919,057 gives the same sequence; the c. name uses the placement nearest the transcript's 3' end. VCF-style (leftmost placement, unchanged base first): chr7-107919046-TTGGAATA-T. GRCh37 (hg19) VCF-style: chr7-107559491-TTGGAATA-T.
Other names: c.1119_1125del, p.Tyr374fs (NM_001289750.1); c.1347_1353del, p.Tyr450fs (NM_001289751.1); c.1272_1278del, p.Tyr425fs (NM_001289752.1); short protein forms Y473fs, Y425fs, Y374fs, Y450fs.
Identifiers: ClinVar variation 840283 (VCV000840283.13), dbSNP rs1214130226, ClinGen allele CA831210899.

ClinVar aggregate classification (germline): Pathogenic. Review status: criteria provided, multiple submitters, no conflicts (2 of 4 stars). 2 submissions from 2 submitters: Pathogenic (2). Last evaluated 2024-02-07.

Conditions:
Pyruvate dehydrogenase E3 deficiency (DLDD). Also called: Lipoamide dehydrogenase deficiency; Dihydrolipoamide Dehydrogenase (E3) Deficiency; Dihydrolipoamide Dehydrogenase E3 Deficiency; Lipoamide dehydrogenase deficiency, lactic acidosis due to; DLD DEFICIENCY; E3 DEFICIENCY. Identifiers: Orphanet 2394, Orphanet 765, MedGen C5574660, MONDO:0009529, OMIM 246900.

Submissions (2):

Baylor Genetics
Classification: Pathogenic for Pyruvate dehydrogenase E3 deficiency. Last evaluated: 2024-02-07. Review status: criteria provided, single submitter. Criteria: ACMG Guidelines, 2015. Collection method: clinical testing. Allele origin: unknown.

Labcorp Genetics (formerly Invitae), Labcorp
Classification: Pathogenic for Pyruvate dehydrogenase E3 deficiency. Last evaluated: 2023-01-10. Review status: criteria provided, single submitter. Criteria: Invitae Variant Classification Sherloc (09022015). Collection method: clinical testing. Allele origin: germline.
Comment: This sequence change creates a premature translational stop signal (p.Tyr473Hisfs*6) in the DLD gene. While this is not anticipated to result in nonsense mediated decay, it is expected to disrupt the last 37 amino acid(s) of the DLD protein. This variant is not present in population databases (gnomAD no frequency). This premature translational stop signal has been observed in individual(s) with dihydrolipoamide dehydrogenase deficiency (PMID: 27896107). In at least one individual the data is consistent with being in trans (on the opposite chromosome) from a pathogenic variant. ClinVar contains an entry for this variant (Variation ID: 840283). Algorithms developed to predict the effect of sequence changes on RNA splicing suggest that this variant may disrupt the consensus splice site. This variant disrupts a region of the DLD protein in which other variant(s) (p.Arg495Gly) have been determined to be pathogenic (PMID: 8968745, 21930696, 27544700). This suggests that this is a clinically significant region of the protein, and that variants that disrupt it are likely to be disease-causing. For these reasons, this variant has been classified as Pathogenic.

Literature cited by the submitters: PubMed 27896107 (cited by Labcorp Genetics (formerly Invitae), Labcorp); PubMed 8968745 (cited by Labcorp Genetics (formerly Invitae), Labcorp); PubMed 21930696 (cited by Labcorp Genetics (formerly Invitae), Labcorp); PubMed 27544700 (cited by Labcorp Genetics (formerly Invitae), Labcorp).